The following is an entry in ClinVar:

NM_004444.5(EPHB4):c.469G>A (p.Gly157Arg)

Gene: EPHB4 (EPH receptor B4; minus strand). Cytogenetic location: 7q22.1.
Variant type: single nucleotide variant.
Coding change: c.469G>A on transcript NM_004444.5 (MANE Select); coding-DNA position 469, G replaced by A.
Protein change: p.Gly157Arg; replaces glycine 157 with arginine.
Molecular consequence: missense variant.
Genome position (GRCh38, 1-based): chr7:100,822,610, C>T on the plus strand (G>A on the coding strand, the complement: EPHB4 is on the minus strand). VCF-style: chr7-100822610-C-T. GRCh37 (hg19) VCF-style: chr7-100420232-C-T.
Other names: short protein forms G157R.
Identifiers: ClinVar variation 1742516 (VCV001742516.5), dbSNP rs1344731618, ClinGen allele CA368581926.
Genomic context (GRCh38, chr7:100,822,610, plus strand): 5'-CCAGGTAGAAGCCAGCCTTGCTGAGCGGTCCCAGACGCAGCGTCTTGACATTCACCTTCC[C>T]GGTGGCCTCGGCCCCAGGGCGCTTCCGGGTGAGATGCTCCGCGGCCACCGTGTCCACCTG-3'
Protein context (NP_004435.3, residues 147-167): TRKRPGAEAT[Gly157Arg]KVNVKTLRLG

ClinVar aggregate classification (germline): Uncertain significance. Review status: criteria provided, multiple submitters, no conflicts (2 of 4 stars). 2 submissions from 2 submitters: Uncertain significance (2). Last evaluated 2023-08-31.

Conditions:
Cardiovascular phenotype. Identifiers: MedGen CN230736.

Allele frequency attached by ClinVar (database versions not stated): TOPMed below 0.00001.

Submissions (2):

Labcorp Genetics (formerly Invitae), Labcorp
Classification: Uncertain significance. Last evaluated: 2023-08-31. Review status: criteria provided, single submitter. Criteria: Invitae Variant Classification Sherloc (09022015). Collection method: clinical testing. Allele origin: germline.
Comment: In summary, the available evidence is currently insufficient to determine the role of this variant in disease. Therefore, it has been classified as a Variant of Uncertain Significance. Advanced modeling of protein sequence and biophysical properties (such as structural, functional, and spatial information, amino acid conservation, physicochemical variation, residue mobility, and thermodynamic stability) performed at Invitae indicates that this missense variant is not expected to disrupt EPHB4 protein function. ClinVar contains an entry for this variant (Variation ID: 1742516). This variant has not been reported in the literature in individuals affected with EPHB4-related conditions. This variant is present in population databases (no rsID available, gnomAD 0.0009%). This sequence change replaces glycine, which is neutral and non-polar, with arginine, which is basic and polar, at codon 157 of the EPHB4 protein (p.Gly157Arg).

Ambry Genetics
Classification: Uncertain significance for Cardiovascular phenotype. Last evaluated: 2020-07-27. Review status: criteria provided, single submitter. Criteria: Ambry Variant Classification Scheme 2023. Collection method: clinical testing. Allele origin: germline.
Comment: The p.G157R variant (also known as c.469G>A), located in coding exon 4 of the EPHB4 gene, results from a G to A substitution at nucleotide position 469. The glycine at codon 157 is replaced by arginine, an amino acid with dissimilar properties. This amino acid position is well conserved in available vertebrate species. In addition, the in silico prediction for this alteration is inconclusive. Since supporting evidence is limited at this time, the clinical significance of this alteration remains unclear.